The following is an entry in ClinVar:

NM_004484.4(GPC3):c.706G>T (p.Gly236Ter)

Gene: GPC3 (glypican 3; minus strand). Cytogenetic location: Xq26.2.
Variant type: single nucleotide variant.
Coding change: c.706G>T on transcript NM_004484.4 (MANE Select); coding-DNA position 706, G replaced by T.
Protein change: p.Gly236Ter; replaces glycine 236 with a stop codon.
Molecular consequence: nonsense.
Genome position (GRCh38, 1-based): chrX:133,753,808, C>A on the plus strand (G>T on the coding strand, the complement: GPC3 is on the minus strand). VCF-style: chrX-133753808-C-A. GRCh37 (hg19) VCF-style: chrX-132887835-C-A.
Other names: c.706G>T, p.Gly236Ter (NM_001164617.2); c.658G>T, p.Gly220Ter (NM_001164618.2); c.544G>T, p.Gly182Ter (NM_001164619.2); short protein forms G182*, G236*, G220*.
Identifiers: ClinVar variation 871947 (VCV000871947.41), dbSNP rs2071695360, ClinGen allele CA414706039.

ClinVar aggregate classification (germline): Pathogenic (1 of 4 stars; one submission).

Submission:

CeGaT Center for Human Genetics Tuebingen
Classification: Pathogenic. Last evaluated: 2024-06-01. Review status: criteria provided, single submitter. Criteria: CeGaT Center For Human Genetics Tuebingen Variant Classification Criteria Version 2. Collection method: clinical testing. Allele origin: germline. Affected: yes. Observed: 2 variant alleles.
Comment: GPC3: PVS1, PM2, PM6:Supporting